The following is an entry in ClinVar:

ClinVar aggregate classification (germline): Pathogenic (1 of 4 stars; one submission).

Submission:

Labcorp Genetics (formerly Invitae), Labcorp
Classification: Pathogenic. Last evaluated: 2025-02-28. Review status: criteria provided, single submitter. Criteria: Invitae Variant Classification Sherloc (09022015). Collection method: clinical testing. Allele origin: germline.
Comment: This sequence change creates a premature translational stop signal (p.Asn1120Metfs*204) in the TUBGCP6 gene. It is expected to result in an absent or disrupted protein product. Loss-of-function variants in TUBGCP6 are known to be pathogenic (PMID: 25344692). This variant is not present in population databases (gnomAD no frequency). This variant has not been reported in the literature in individuals affected with TUBGCP6-related conditions. For these reasons, this variant has been classified as Pathogenic.

Literature cited by the submitters: PubMed 25344692.

NM_020461.4(TUBGCP6):c.3359del (p.Asn1120fs)

Gene: TUBGCP6 (tubulin gamma complex component 6; minus strand). Cytogenetic location: 22q13.33.
Variant type: Deletion.
Coding change: c.3359del on transcript NM_020461.4 (MANE Select); coding-DNA position 3359, one base deleted (A; older notation c.3359delA).
Protein change: p.Asn1120fs; shifts the reading frame from asparagine 1120.
Molecular consequence: frameshift variant.
Genome position (GRCh38, 1-based): chr22:50,221,000, T deleted on the plus strand (A on the coding strand, the reverse complement: TUBGCP6 is on the minus strand); the first of 2 consecutive T bases (chr22:50,221,000-50,221,001); deleting either gives the same sequence. VCF-style (leftmost placement, unchanged base first): chr22-50220999-AT-A. GRCh37 (hg19) VCF-style: chr22-50659428-AT-A.
Other names: short protein forms N1120fs.
Identifiers: ClinVar variation 4713410 (VCV004713410.1).